The following is an entry in ClinVar:

NM_006231.4(POLE):c.5251G>T (p.Ala1751Ser)

Gene: POLE (DNA polymerase epsilon, catalytic subunit; minus strand). Cytogenetic location: 12q24.33.
Variant type: single nucleotide variant.
Coding change: c.5251G>T on transcript NM_006231.4 (MANE Select); coding-DNA position 5251, G replaced by T.
Protein change: p.Ala1751Ser; replaces alanine 1751 with serine.
Molecular consequence: missense variant.
Genome position (GRCh38, 1-based): chr12:132,641,774, C>A on the plus strand (G>T on the coding strand, the complement: POLE is on the minus strand). VCF-style: chr12-132641774-C-A. GRCh37 (hg19) VCF-style: chr12-133218360-C-A.
Other names: short protein forms A1751S.
Identifiers: ClinVar variation 3308422 (VCV003308422.1).

ClinVar aggregate classification (germline): Uncertain significance (1 of 4 stars; one submission).

Conditions:
Hereditary cancer-predisposing syndrome. Also called: Neoplastic Syndromes, Hereditary; Tumor predisposition; Hereditary neoplastic syndrome; Hereditary Cancer Syndrome. Identifiers: Orphanet 140162, MedGen C0027672, MeSH D009386, MONDO:0015356.

Submission:

Ambry Genetics
Classification: Uncertain significance for Hereditary cancer-predisposing syndrome. Last evaluated: 2024-05-22. Review status: criteria provided, single submitter. Criteria: Ambry Variant Classification Scheme 2023. Collection method: clinical testing. Allele origin: germline.
Comment: The p.A1751S variant (also known as c.5251G>T), located in coding exon 39 of the POLE gene, results from a G to T substitution at nucleotide position 5251. The alanine at codon 1751 is replaced by serine, an amino acid with similar properties. This amino acid position is conserved. In addition, this alteration is predicted to be tolerated by in silico analysis. Based on the available evidence, the clinical significance of this variant remains unclear.